The following is an entry in ClinVar:

NM_000276.4(OCRL):c.2581G>A (p.Ala861Thr)

Gene: OCRL (OCRL inositol polyphosphate-5-phosphatase; plus strand). Cytogenetic location: Xq26.1.
Variant type: single nucleotide variant.
Coding change: c.2581G>A on transcript NM_000276.4 (MANE Select); coding-DNA position 2581, G replaced by A.
Protein change: p.Ala861Thr; replaces alanine 861 with threonine.
Molecular consequence: missense variant.
Genome position (GRCh38, 1-based): chrX:129,589,956, G>A. VCF-style: chrX-129589956-G-A. GRCh37 (hg19) VCF-style: chrX-128723933-G-A.
Other names: NC_000023.10:g.128723933G>A; c.2584G>A, p.Ala862Thr (NM_001318784.2); c.2557G>A, p.Ala853Thr (NM_001587.4); short protein forms A853T, A861T, A862T.
Identifiers: ClinVar variation 1805827 (VCV001805827.4), dbSNP rs2124430527, ClinGen allele CA501121.

ClinVar aggregate classification (germline): Pathogenic/Likely pathogenic. Review status: criteria provided, multiple submitters, no conflicts (2 of 4 stars). 3 submissions from 3 submitters: Pathogenic (2); Likely pathogenic (1). Last evaluated 2024-10-07.

Conditions:
Lowe syndrome (OCRL). Also called: LOWE OCULOCEREBRORENAL SYNDROME; PHOSPHATIDYLINOSITOL 4,5-BISPHOSPHATE 5-PHOSPHATASE DEFICIENCY; Oculocerebrorenal Syndrome. Identifiers: Orphanet 534, MedGen C0028860, MONDO:0010645, OMIM 309000.
OCRL-related disorder. Also called: OCRL-related condition.

Submissions (7):

Blueprint Genetics
Classification: Pathogenic for OCRL-related disorders. Last evaluated: 2024-10-07. Review status: criteria provided, single submitter. Criteria: ACMG Guidelines, 2015. Collection method: clinical testing. Allele origin: germline. Affected: yes. Observed: 1 variant allele.

Institute of Medical Genetics and Applied Genomics, University Hospital Tübingen
Classification: Likely pathogenic for Lowe syndrome. Last evaluated: 2024-04-05. Review status: criteria provided, single submitter. Criteria: ACMG Guidelines, 2015. Collection method: clinical testing. Allele origin: germline. Inheritance: X-linked recessive inheritance. Affected: yes.

Victorian Clinical Genetics Services, Murdoch Childrens Research Institute
Classification: Pathogenic for Lowe syndrome. Last evaluated: 2020-05-26. Review status: criteria provided, single submitter. Criteria: ACMG Guidelines, 2015. Collection method: clinical testing. Allele origin: germline. Inheritance: X-linked recessive inheritance. Affected: yes.
Comment: Based on the classification scheme VCGS_Germline_v1.1.1, this variant is classified as Pathogenic. Following criteria are met: 0102 - Loss-of-function is a known mechanism of disease for this gene. (N) 0109 - This gene is known to be associated with X-linked recessive disease. (N) 0205 - Variant is located at the end of exon 23, therefore it is predicted to affect splicing and result in a truncated protein with less than 1/3 of the protein affected (exon 23 of 24). (P) 0210 - Splice site variant (non-canonical) proven to abolish the donor splice site, resulting in skipping of exon 23 and a truncated protein (PMID: 29300302). (N) 0253 - Variant is hemizygous. (N) 0301 - Variant is absent from gnomAD. (P) 0505 - Abnormal splicing is predicted by in silico tools and affected nucleotide is highly conserved. (P) 0600 - Variant results in truncation of an annotated domain, RhoGAP domain (PDB, PMID: 21031565). (N) 0703 - Comparable variants have moderate previous evidence for pathogenicity. A different variant c.2581G>C, has been shown to result in the same truncated protein and has been reported pathogenic in individuals with Lowe syndrome (PMID: 25480730). Multiple other protein truncating variants have been reported pathogenic in Lowe syndrome (ClinVar). (P) 0801 - Strong previous evidence of pathogenicity in unrelated individuals. The variant has been previously reported in patients with Lowe syndrome (PMID: 21031565, 25305077, 27059748). (N) Legend: (P) - Pathogenic, (N) - Neutral, (B) - Benign

Dr. Peter K. Rogan Lab, Western University
No classification provided (evidence only). Condition: Thyroid cancer, nonmedullary, 1. Review status: no classification provided. Collection method: in vitro. Allele origin: not applicable. Functional consequence: retained intron. Not counted in ClinVar's aggregate classification.

Dr. Peter K. Rogan Lab, Western University
No classification provided (evidence only). Condition: Thyroid cancer, nonmedullary, 1. Review status: no classification provided. Collection method: in vitro. Allele origin: not applicable. Functional consequence: retained intron. Not counted in ClinVar's aggregate classification.

Dr. Peter K. Rogan Lab, Western University
No classification provided (evidence only). Condition: Thyroid cancer, nonmedullary, 1. Review status: no classification provided. Collection method: in vitro. Allele origin: not applicable. Functional consequence: retained intron. Not counted in ClinVar's aggregate classification.

Dr. Peter K. Rogan Lab, Western University
No classification provided (evidence only). Condition: Nonpapillary renal cell carcinoma. Review status: no classification provided. Collection method: in vitro. Allele origin: not applicable. Functional consequence: retained intron. Not counted in ClinVar's aggregate classification.

Literature cited by the submitters: PubMed 21031565 (cited by Victorian Clinical Genetics Services, Murdoch Childrens Research Institute); PubMed 25305077 (cited by Victorian Clinical Genetics Services, Murdoch Childrens Research Institute); PubMed 25480730 (cited by Victorian Clinical Genetics Services, Murdoch Childrens Research Institute); PubMed 27059748 (cited by Victorian Clinical Genetics Services, Murdoch Childrens Research Institute); PubMed 29300302 (cited by Victorian Clinical Genetics Services, Murdoch Childrens Research Institute).